The following is an entry in ClinVar:

ClinVar aggregate classification (germline): Uncertain significance (1 of 4 stars; one submission).

gnomAD v4.1: 1 of 1,582,624 alleles (0.000063%); highest among the groups gnomAD compares: Non-Finnish European, 0.000086%; no homozygotes.

Submission:

Labcorp Genetics (formerly Invitae), Labcorp
Classification: Uncertain significance. Last evaluated: 2024-09-27. Review status: criteria provided, single submitter. Criteria: Invitae Variant Classification Sherloc (09022015). Collection method: clinical testing. Allele origin: germline.
Comment: This sequence change affects codon 252 of the SLC12A2 mRNA. It is a 'silent' change, meaning that it does not change the encoded amino acid sequence of the SLC12A2 protein. This variant also falls at the last nucleotide of exon 1, which is part of the consensus splice site for this exon. This variant is present in population databases (no rsID available, gnomAD 0.007%). This variant has not been reported in the literature in individuals affected with SLC12A2-related conditions. Variants that disrupt the consensus splice site are a relatively common cause of aberrant splicing (PMID: 17576681, 9536098). Algorithms developed to predict the effect of sequence changes on RNA splicing suggest that this variant is not likely to affect RNA splicing. In summary, the available evidence is currently insufficient to determine the role of this variant in disease. Therefore, it has been classified as a Variant of Uncertain Significance.

Literature cited by the submitters: PubMed 17576681; PubMed 9536098.

NM_001046.3(SLC12A2):c.756G>A (p.Lys252=)

Gene: SLC12A2 (solute carrier family 12 member 2; plus strand). Cytogenetic location: 5q23.3.
Variant type: single nucleotide variant.
Coding change: c.756G>A on transcript NM_001046.3 (MANE Select); coding-DNA position 756, G replaced by A.
Protein change: p.Lys252=; no amino-acid change (lysine 252 retained).
Molecular consequence: synonymous variant. On other transcripts: non-coding transcript variant (1).
Genome position (GRCh38, 1-based): chr5:128,084,710, G>A. VCF-style: chr5-128084710-G-A. GRCh37 (hg19) VCF-style: chr5-127420402-G-A.
Other names: c.756G>A, p.Lys252= (NM_001256461.2).
Identifiers: ClinVar variation 3716869 (VCV003716869.2).